The following is an entry in ClinVar:

ClinVar aggregate classification (germline): Uncertain significance (1 of 4 stars; one submission).

Conditions:
Hyperammonemia, type III (NAGSD). Also called: Hyperammonemia due to N-acetylglutamate synthase deficiency. Identifiers: Orphanet 927, MedGen C0268543, MONDO:0009377, OMIM 237310.

Allele frequency attached by ClinVar (database versions not stated): TOPMed below 0.00001; gnomAD exomes 0.00001.
gnomAD v4.1: 11 of 1,613,914 alleles (0.00068%); highest among the groups gnomAD compares: Non-Finnish European, 0.00093%; no homozygotes.

Submission:

Labcorp Genetics (formerly Invitae), Labcorp
Classification: Uncertain significance for Hyperammonemia, type III. Last evaluated: 2025-06-23. Review status: criteria provided, single submitter. Criteria: Invitae Variant Classification Sherloc (09022015). Collection method: clinical testing. Allele origin: germline.
Comment: This sequence change replaces serine, which is neutral and polar, with cysteine, which is neutral and slightly polar, at codon 398 of the NAGS protein (p.Ser398Cys). This variant is present in population databases (no rsID available, gnomAD 0.0009%). This missense change has been observed in individual(s) with NAGS deficiency (PMID: 27037498). ClinVar contains an entry for this variant (Variation ID: 2064679). Invitae Evidence Modeling of protein sequence and biophysical properties (such as structural, functional, and spatial information, amino acid conservation, physicochemical variation, residue mobility, and thermodynamic stability) indicates that this missense variant is not expected to disrupt NAGS protein function with a negative predictive value of 80%. In summary, the available evidence is currently insufficient to determine the role of this variant in disease. Therefore, it has been classified as a Variant of Uncertain Significance.

Literature cited by the submitters: PubMed 27037498.

NM_153006.3(NAGS):c.1192A>T (p.Ser398Cys)

Gene: NAGS (N-acetylglutamate synthase; plus strand). Cytogenetic location: 17q21.31.
Variant type: single nucleotide variant.
Coding change: c.1192A>T on transcript NM_153006.3 (MANE Select); coding-DNA position 1192, A replaced by T.
Protein change: p.Ser398Cys; replaces serine 398 with cysteine.
Molecular consequence: missense variant.
Genome position (GRCh38, 1-based): chr17:44,007,418, A>T. VCF-style: chr17-44007418-A-T. GRCh37 (hg19) VCF-style: chr17-42084786-A-T.
Other names: short protein forms S398C.
Identifiers: ClinVar variation 2064679 (VCV002064679.2), dbSNP rs1312599995, ClinGen allele CA399726980.